The following is an entry in ClinVar:

NM_000321.3(RB1):c.2029G>A (p.Glu677Lys)

Gene: RB1 (RB transcriptional corepressor 1; plus strand). Cytogenetic location: 13q14.2.
Variant type: single nucleotide variant.
Coding change: c.2029G>A on transcript NM_000321.3 (MANE Select); coding-DNA position 2029, G replaced by A.
Protein change: p.Glu677Lys; replaces glutamic acid 677 with lysine.
Molecular consequence: missense variant.
Genome position (GRCh38, 1-based): chr13:48,459,756, G>A. VCF-style: chr13-48459756-G-A. GRCh37 (hg19) VCF-style: chr13-49033892-G-A.
Other names: short protein forms E677K.
Identifiers: ClinVar variation 883471 (VCV000883471.6), dbSNP rs1060503067, ClinGen allele CA388166797.

ClinVar aggregate classification (germline): Uncertain significance. Review status: criteria provided, multiple submitters, no conflicts (2 of 4 stars). 3 submissions from 3 submitters: Uncertain significance (3). Last evaluated 2025-01-07.

Conditions:
Retinoblastoma (RB1). Also called: RETINOBLASTOMA, SOMATIC. Identifiers: Orphanet 790, MedGen C0035335, MeSH D012175, MONDO:0008380, OMIM 180200, HP:0009919. Disease mechanism: loss of function. Inheritance: Both sporadic and heritable forms are tested..
Hereditary cancer-predisposing syndrome. Also called: Tumor predisposition; Neoplastic Syndromes, Hereditary; Hereditary Cancer Syndrome; Hereditary neoplastic syndrome. Identifiers: Orphanet 140162, MedGen C0027672, MeSH D009386, MONDO:0015356.

Allele frequency attached by ClinVar (database versions not stated): gnomAD 0.00001.

Submissions (3):

Ambry Genetics
Classification: Uncertain significance for Hereditary cancer-predisposing syndrome. Last evaluated: 2025-01-07. Review status: criteria provided, single submitter. Criteria: Ambry Variant Classification Scheme 2023. Collection method: clinical testing. Allele origin: germline.
Comment: The p.E677K variant (also known as c.2029G>A), located in coding exon 20 of the RB1 gene, results from a G to A substitution at nucleotide position 2029. The glutamic acid at codon 677 is replaced by lysine, an amino acid with similar properties. This amino acid position is highly conserved in available vertebrate species. In addition, the in silico prediction for this alteration is inconclusive. Based on the available evidence, the clinical significance of this variant remains unclear.

Labcorp Genetics (formerly Invitae), Labcorp
Classification: Uncertain significance for Retinoblastoma. Last evaluated: 2022-03-03. Review status: criteria provided, single submitter. Criteria: Invitae Variant Classification Sherloc (09022015). Collection method: clinical testing. Allele origin: germline.
Comment: This sequence change replaces glutamic acid, which is acidic and polar, with lysine, which is basic and polar, at codon 677 of the RB1 protein (p.Glu677Lys). This variant is not present in population databases (gnomAD no frequency). This variant has not been reported in the literature in individuals affected with RB1-related conditions. ClinVar contains an entry for this variant (Variation ID: 883471). Algorithms developed to predict the effect of missense changes on protein structure and function (SIFT, PolyPhen-2, Align-GVGD) all suggest that this variant is likely to be disruptive. In summary, the available evidence is currently insufficient to determine the role of this variant in disease. Therefore, it has been classified as a Variant of Uncertain Significance.

Illumina Laboratory Services, Illumina
Classification: Uncertain significance for Retinoblastoma. Last evaluated: 2017-04-28. Review status: criteria provided, single submitter. Criteria: ICSL Variant Classification Criteria 13 December 2019. Collection method: clinical testing. Allele origin: germline.